The following is an entry in ClinVar:

ClinVar aggregate classification (germline): Benign/Likely benign. Review status: criteria provided, multiple submitters, no conflicts (2 of 4 stars). 2 submissions from 2 submitters: Benign (1); Likely benign (1). Last evaluated 2025-12-15.

Conditions:
Spondyloepiphyseal dysplasia tarda (SEDT). Also called: SPONDYLOEPIPHYSEAL DYSPLASIA, LATE. Identifiers: Orphanet 93284, MedGen CN033239, MONDO:0019667.

Allele frequency attached by ClinVar (database versions not stated): TOPMed 0.00006; gnomAD exomes 0.00008; ExAC 0.00018.
gnomAD v4.1: 147 of 1,159,634 alleles (0.013%); highest among the groups gnomAD compares: Non-Finnish European, 0.017%; no homozygotes.

Submissions (2):

Labcorp Genetics (formerly Invitae), Labcorp
Classification: Benign. Last evaluated: 2025-12-15. Review status: criteria provided, single submitter. Criteria: Invitae Variant Classification Sherloc (09022015). Collection method: clinical testing. Allele origin: germline.

Illumina Laboratory Services, Illumina
Classification: Likely benign for Spondyloepiphyseal dysplasia tarda, X-linked. Last evaluated: 2018-01-13. Review status: criteria provided, single submitter. Criteria: ICSL Variant Classification Criteria 13 December 2019. Collection method: clinical testing. Allele origin: germline.
Comment: This variant was observed in the ICSL laboratory as part of a predisposition screen in an ostensibly healthy population. It had not been previously curated by ICSL or reported in the Human Gene Mutation Database (HGMD: prior to June 1st, 2018), and was therefore a candidate for classification through an automated scoring system. Utilizing variant allele frequency, disease prevalence and penetrance estimates, and inheritance mode, an automated score was calculated to assess if this variant is too frequent to cause the disease. Based on the score and internal cut-off values, a variant classified as likely benign is not then subjected to further curation. The score for this variant resulted in a classification of likely benign for this disease.

NM_001011658.4(TRAPPC2):c.93+7A>G

Genes: OFD1 (OFD1 centriole and centriolar satellite protein; plus strand), TRAPPC2 (trafficking protein particle complex subunit 2; minus strand). Cytogenetic location: Xp22.2.
Variant type: single nucleotide variant.
Coding change: c.93+7A>G on transcript NM_001011658.4 (MANE Select); 7 bases into the intron after coding-DNA position 93, A replaced by G.
Molecular consequence: intron variant.
Genome position (GRCh38, 1-based): chrX:13,719,864, T>C on the plus strand (A>G on the coding strand, the complement: TRAPPC2 is on the minus strand). VCF-style: chrX-13719864-T-C. GRCh37 (hg19) VCF-style: chrX-13737983-T-C.
Other names: c.93+7A>G (NM_014563.6); c.195+7A>G (NM_001128835.3).
Identifiers: ClinVar variation 912341 (VCV000912341.10), dbSNP rs374796724, ClinGen allele CA10351472.